The following is an entry in ClinVar:

ClinVar aggregate classification (germline): Benign. Review status: criteria provided, multiple submitters, no conflicts (2 of 4 stars). 2 submissions from 2 submitters: Benign (2). Last evaluated 2016-03-29.

Allele frequency attached by ClinVar (database versions not stated): TOPMed 0.94724; ExAC 0.98487; ESP Exome Variant Server 0.94856; 1000 Genomes Project 30x 0.94941; gnomAD exomes 0.98785; 1000 Genomes Project 0.95327.
gnomAD v4.1: 1,599,067 of 1,613,182 alleles (99%); highest among the groups gnomAD compares: East Asian, 100%; 793,581 homozygotes.

Submissions (2):

Laboratory for Molecular Medicine, Mass General Brigham Personalized Medicine
Classification: Benign. Last evaluated: 2016-03-29. Review status: criteria provided, single submitter. Criteria: LMM Criteria. Collection method: clinical testing. Allele origin: germline.
Comment: Variant identified in a genome or exome case(s) and assessed due to predicted null impact of the variant or pathogenic assertions in the literature or databases. Disclaimer: This variant has not undergone full assessment. The following are preliminary notes: MAF

Breakthrough Genomics
Classification: Benign. Review status: criteria provided, single submitter. Criteria: ACMG Guidelines, 2015. Collection method: not provided. Allele origin: germline. Inheritance: Unknown mechanism. Affected: yes.

NC_000008.11:g.144105743T>C

Genes: MAF1 (MAF1 negative regulator of RNA polymerase III; plus strand), SHARPIN (SHANK associated RH domain interactor; minus strand). Cytogenetic location: 8q24.3.
Variant type: single nucleotide variant.
Molecular consequence: synonymous variant (on NM_032272.5).
Genome position: GRCh38 VCF-style: chr8-144105743-T-C. GRCh37 (hg19) VCF-style: chr8-145160646-T-C.
Other names: c.60T>C, p.Thr20= (NM_032272.5).
Identifiers: ClinVar variation 403435 (VCV000403435.6), dbSNP rs11136256, ClinGen allele CA4934067.
Genomic context (GRCh38, chr8:144,105,743, plus strand): 5'-CATGAAGCTATTGGAGAACTCGAGCTTTGAAGCCATCAACTCACAGCTGACTGTGGAGAC[T>C]GGAGATGCCCACATCATTGGCAGGTGAGGCAGGCTGGGGGGGCTGGCATCTCGGAGGTCA-3'